The following is an entry in ClinVar:

NM_144997.7(FLCN):c.1433T>C (p.Val478Ala)

Gene: FLCN (folliculin; minus strand). Cytogenetic location: 17p11.2.
Variant type: single nucleotide variant.
Coding change: c.1433T>C on transcript NM_144997.7 (MANE Select); coding-DNA position 1433, T replaced by C.
Protein change: p.Val478Ala; replaces valine 478 with alanine.
Molecular consequence: missense variant.
Genome position (GRCh38, 1-based): chr17:17,215,090, A>G on the plus strand (T>C on the coding strand, the complement: FLCN is on the minus strand). VCF-style: chr17-17215090-A-G. GRCh37 (hg19) VCF-style: chr17-17118404-A-G.
Other names: c.1487T>C, p.Val496Ala (NM_001353229.2); c.1433T>C, p.Val478Ala (NM_001353230.2, NM_001353231.2); short protein forms V478A, V496A.
Identifiers: ClinVar variation 2762087 (VCV002762087.3), dbSNP rs2544142993, ClinGen allele CA398531034.
Genomic context (GRCh38, chr17:17,215,090, plus strand): 5'-TCCACAGACAGGTTCTGGTTGGTCAGAGCCGCTTCAATCTTATTCAGGATGGTGGGGCCC[A>G]CTGGGGAGAAGGGCAGGGGCAGAGCAAGGGCAGGCGTTAGCGCGGGGCGGGGGCATCTTC-3'
Protein context (NP_659434.2, residues 468-488): TSGSPVAADR[Val478Ala]GPTILNKIEA

ClinVar aggregate classification (germline): Uncertain significance (1 of 4 stars; one submission).

Conditions:
Birt-Hogg-Dube syndrome. Also called: Birt Hogg Dubé syndrome. Identifiers: Orphanet 122, MedGen C0346010, MONDO:0800444.

Submission:

Labcorp Genetics (formerly Invitae), Labcorp
Classification: Uncertain significance for Birt-Hogg-Dube syndrome. Last evaluated: 2024-01-03. Review status: criteria provided, single submitter. Criteria: Invitae Variant Classification Sherloc (09022015). Collection method: clinical testing. Allele origin: germline.
Comment: This sequence change replaces valine, which is neutral and non-polar, with alanine, which is neutral and non-polar, at codon 478 of the FLCN protein (p.Val478Ala). This variant is not present in population databases (gnomAD no frequency). This variant has not been reported in the literature in individuals affected with FLCN-related conditions. Algorithms developed to predict the effect of missense changes on protein structure and function output the following: SIFT: "Not Available"; PolyPhen-2: "Benign"; Align-GVGD: "Not Available". The alanine amino acid residue is found in multiple mammalian species, which suggests that this missense change does not adversely affect protein function. In summary, the available evidence is currently insufficient to determine the role of this variant in disease. Therefore, it has been classified as a Variant of Uncertain Significance.